The following is an entry in ClinVar:

NM_000159.4(GCDH):c.1244-2A>G

Genes: SYCE2 (synaptonemal complex central element protein 2; minus strand), GCDH (glutaryl-CoA dehydrogenase; plus strand), LOC126862860 (BRD4-independent group 4 enhancer GRCh37_chr19:13010146-13011345; plus strand). Cytogenetic location: 19p13.13.
Variant type: single nucleotide variant.
Coding change: c.1244-2A>G on transcript NM_000159.4 (MANE Select); the canonical splice acceptor site of the intron before coding-DNA position 1244, A replaced by G.
Molecular consequence: splice acceptor variant. On other transcripts: intron variant (2).
Genome position (GRCh38, 1-based): chr19:12,899,466, A>G. VCF-style: chr19-12899466-A-G. GRCh37 (hg19) VCF-style: chr19-13010280-A-G.
Other names: c.1244-234A>G (NM_013976.5); c.613-81T>C (NM_001105578.2).
Identifiers: ClinVar variation 552962 (VCV000552962.13), dbSNP rs199999619, ClinGen allele CA404322089.

ClinVar aggregate classification (germline): Pathogenic. Review status: criteria provided, multiple submitters, no conflicts (2 of 4 stars). 4 submissions from 4 submitters: Pathogenic (3). 1 of the submissions does not count toward it. Last evaluated 2025-09-08.

Conditions:
Glutaric aciduria, type 1. Also called: GA I; Glutaric acidemia type I; Glutaricacidemia Type 1; Glutaricaciduria, type I; Glutaric Acidemia Type 1; Glutaryl-CoA dehydrogenase deficiency. Identifiers: Orphanet 25, MedGen C0268595, MONDO:0009281, OMIM 231670.

Submissions (4):

GeneDx
Classification: Pathogenic. Last evaluated: 2025-09-08. Review status: criteria provided, single submitter. Criteria: GeneDx Variant Classification Process June 2021. Collection method: clinical testing. Allele origin: germline. Affected: yes.
Comment: Canonical splice site variant predicted to result in a null allele in a gene for which loss of function is a known mechanism of disease; Not observed at significant frequency in large population cohorts (gnomAD); This variant is associated with the following publications: (PMID: 37020324, 27672653, 34344405, 15505393, 11058907, 25256449)

Baylor Genetics
Classification: Pathogenic for Glutaric aciduria, type 1. Last evaluated: 2024-02-26. Review status: criteria provided, single submitter. Criteria: ACMG Guidelines, 2015. Collection method: clinical testing. Allele origin: unknown.

Labcorp Genetics (formerly Invitae), Labcorp
Classification: Pathogenic for Glutaric aciduria, type 1. Last evaluated: 2021-03-24. Review status: criteria provided, single submitter. Criteria: Invitae Variant Classification Sherloc (09022015). Collection method: clinical testing. Allele origin: germline.
Comment: This variant is not present in population databases (ExAC no frequency). Disruption of this splice site has been observed in individual(s) with glutaric acidemia type I (PMID: 25256449, 27672653). ClinVar contains an entry for this variant (Variation ID: 552962). Nucleotide substitutions within the consensus splice site are a relatively common cause of aberrant splicing (PMID: 17576681, 9536098). Algorithms developed to predict the effect of sequence changes on RNA splicing suggest that this variant may disrupt the consensus splice site, but this prediction has not been confirmed by published transcriptional studies. For these reasons, this variant has been classified as Pathogenic. This sequence change affects an acceptor splice site in intron 11 of the GCDH gene. While this variant is not anticipated to result in nonsense mediated decay, it likely alters RNA splicing and results in a disrupted protein product.

Counsyl
Classification: Likely pathogenic for Glutaric aciduria, type 1. Last evaluated: 2017-07-31. Review status: no assertion criteria provided. Collection method: clinical testing. Allele origin: unknown. Not counted in ClinVar's aggregate classification.

Literature cited by the submitters: PubMed 25256449 (cited by Labcorp Genetics (formerly Invitae), Labcorp and Counsyl); PubMed 27672653 (cited by Labcorp Genetics (formerly Invitae), Labcorp); PubMed 17576681 (cited by Labcorp Genetics (formerly Invitae), Labcorp); PubMed 9536098 (cited by Labcorp Genetics (formerly Invitae), Labcorp).